The following is an entry in ClinVar:

NM_173628.4(DNAH17):c.11697C>T (p.Thr3899=)

Gene: DNAH17 (dynein axonemal heavy chain 17; minus strand). Cytogenetic location: 17q25.3.
Variant type: single nucleotide variant.
Coding change: c.11697C>T on transcript NM_173628.4 (MANE Select); coding-DNA position 11697, C replaced by T.
Protein change: p.Thr3899=; no amino-acid change (threonine 3899 retained).
Molecular consequence: synonymous variant.
Genome position (GRCh38, 1-based): chr17:78,439,198, G>A on the plus strand (C>T on the coding strand, the complement: DNAH17 is on the minus strand). VCF-style: chr17-78439198-G-A. GRCh37 (hg19) VCF-style: chr17-76435280-G-A.
Identifiers: ClinVar variation 3037803 (VCV003037803.3), dbSNP rs368552402, ClinGen allele CA8800350.

ClinVar aggregate classification (germline): Likely benign. Review status: criteria provided, single submitter (1 of 4 stars). 2 submissions from 2 submitters: Likely benign (1). 1 of the submissions does not count toward it. Last evaluated 2024-11-27.

Conditions:
DNAH17-related disorder. Also called: DNAH17-related condition.

Allele frequency attached by ClinVar (database versions not stated): TOPMed 0.00011; ESP Exome Variant Server 0.00015; gnomAD 0.00028; gnomAD exomes 0.00046; 1000 Genomes Project 0.00060; 1000 Genomes Project 30x 0.00078; ExAC 0.00102.
gnomAD v4.1: 721 of 1,599,858 alleles (0.045%); highest among the groups gnomAD compares: South Asian, 0.6%; 5 homozygotes.

Submissions (2):

Blueprint Genetics
Classification: Likely benign. Last evaluated: 2024-11-27. Review status: criteria provided, single submitter. Criteria: ACMG Guidelines, 2015. Collection method: clinical testing. Allele origin: germline.

PreventionGenetics, part of Exact Sciences
Classification: Likely benign for DNAH17-related condition. Last evaluated: 2019-04-25. Review status: no assertion criteria provided. Collection method: clinical testing. Allele origin: germline. Not counted in ClinVar's aggregate classification.
Comment: This variant is classified as likely benign based on ACMG/AMP sequence variant interpretation guidelines (Richards et al. 2015 PMID: 25741868, with internal and published modifications).